The following is an entry in ClinVar:

ClinVar aggregate classification (germline): Benign/Likely benign. Review status: criteria provided, multiple submitters, no conflicts (2 of 4 stars). 7 submissions from 7 submitters: Benign (2); Likely benign (4). 1 of the submissions does not count toward it. Last evaluated 2026-02-01.

Conditions:
KMT2A-related disorder. Also called: KMT2A-related condition.
Intellectual disability. Also called: Intellectual functioning disability; intellectual disabilities; Intellectual developmental disorder. Identifiers: MedGen C3714756, MeSH D008607, MONDO:0001071, HP:0001249.

Allele frequency attached by ClinVar (database versions not stated): gnomAD exomes 0.00040; ExAC 0.00041; TOPMed 0.00048; gnomAD 0.00049 and 0.00051; ESP Exome Variant Server 0.00062.
gnomAD v4.1: 1,475 of 1,611,540 alleles (0.092%); highest among the groups gnomAD compares: Non-Finnish European, 0.11%; 1 homozygote.

Submissions (7):

CeGaT Center for Human Genetics Tuebingen
Classification: Likely benign. Last evaluated: 2026-02-01. Review status: criteria provided, single submitter. Criteria: CeGaT Center For Human Genetics Tuebingen Variant Classification Criteria Version 2. Collection method: clinical testing. Allele origin: germline. Affected: yes. Observed: 4 variant alleles.
Comment: KMT2A: BP4, BS1

Labcorp Genetics (formerly Invitae), Labcorp
Classification: Likely benign. Last evaluated: 2026-01-25. Review status: criteria provided, single submitter. Criteria: Invitae Variant Classification Sherloc (09022015). Collection method: clinical testing. Allele origin: germline.

GeneDx
Classification: Benign. Last evaluated: 2021-04-13. Review status: criteria provided, single submitter. Criteria: GeneDx Variant Classification Process June 2021. Collection method: clinical testing. Allele origin: germline. Affected: yes.

Cambridge Genomics Laboratory, East Genomic Laboratory Hub, NHS Genomic Medicine Service
Classification: Benign for Intellectual disability. Last evaluated: 2019-11-08. Review status: criteria provided, single submitter. Criteria: ACGS Best Practice Guidelines for Variant Classification in Rare Disease 2020. Collection method: clinical testing. Allele origin: germline. Affected: yes. Observed: 1 variant allele.

Eurofins Ntd Llc (ga)
Classification: Likely benign. Last evaluated: 2018-07-09. Review status: criteria provided, single submitter. Criteria: EGL ClinVar v180209 classification definitions. Collection method: clinical testing. Allele origin: germline. Observed: 1 variant allele, 1 heterozygote.

Breakthrough Genomics
Classification: Likely benign. Review status: criteria provided, single submitter. Criteria: ACMG Guidelines, 2015. Collection method: not provided. Allele origin: germline. Inheritance: Autosomal dominant inheritance. Affected: yes.

PreventionGenetics, part of Exact Sciences
Classification: Benign for KMT2A-related condition. Last evaluated: 2021-11-18. Review status: no assertion criteria provided. Collection method: clinical testing. Allele origin: germline. Not counted in ClinVar's aggregate classification.
Comment: This variant is classified as benign based on ACMG/AMP sequence variant interpretation guidelines (Richards et al. 2015 PMID: 25741868, with internal and published modifications).

NM_001197104.2(KMT2A):c.10715T>G (p.Ile3572Ser)

Gene: KMT2A (lysine methyltransferase 2A; plus strand). Cytogenetic location: 11q23.3.
Variant type: single nucleotide variant.
Coding change: c.10715T>G on transcript NM_001197104.2 (MANE Select); coding-DNA position 10715, T replaced by G.
Protein change: p.Ile3572Ser; replaces isoleucine 3572 with serine.
Molecular consequence: missense variant.
Genome position (GRCh38, 1-based): chr11:118,506,607, T>G. VCF-style: chr11-118506607-T-G. GRCh37 (hg19) VCF-style: chr11-118377322-T-G.
Other names: c.10706T>G, p.Ile3569Ser (NM_005933.4); short protein forms I3572S, I3569S.
Identifiers: ClinVar variation 597918 (VCV000597918.43), dbSNP rs147014136, ClinGen allele CA6304798.
Genomic context (GRCh38, chr11:118,506,607, plus strand): 5'-AAGGGAATGGCAAGAAGCACAAAGTTTCCCATTTGCGGACCAGTTCTTCTGAAGCACACA[T>G]TCCAGACCAAGAAACGACATCCCTGACCTCAGGCACAGGGTGAGAGATCCAAATACTAGC-3'
Protein context (NP_001184033.1, residues 3562-3582): HLRTSSSEAH[Ile3572Ser]PDQETTSLTS